The following is an entry in ClinVar:

NM_005215.4(DCC):c.3257C>T (p.Pro1086Leu)

Gene: DCC (DCC netrin 1 receptor; plus strand). Cytogenetic location: 18q21.2.
Variant type: single nucleotide variant.
Coding change: c.3257C>T on transcript NM_005215.4 (MANE Select); coding-DNA position 3257, C replaced by T.
Protein change: p.Pro1086Leu; replaces proline 1086 with leucine.
Molecular consequence: missense variant.
Genome position (GRCh38, 1-based): chr18:53,450,527, C>T. VCF-style: chr18-53450527-C-T. GRCh37 (hg19) VCF-style: chr18-50976897-C-T.
Other names: short protein forms P1086L.
Identifiers: ClinVar variation 3346264 (VCV003346264.1).

ClinVar aggregate classification (germline): Uncertain significance (0 of 4 stars; one submission).

Conditions:
DCC-related disorder. Also called: DCC-related condition.

gnomAD v4.1: 3 of 1,613,974 alleles (0.00019%); highest among the groups gnomAD compares: Non-Finnish European, 0.00025%; no homozygotes.

Submission:

PreventionGenetics, part of Exact Sciences
Classification: Uncertain significance for DCC-related condition. Last evaluated: 2024-09-22. Review status: no assertion criteria provided. Collection method: clinical testing. Allele origin: germline.
Comment: The DCC c.3257C>T variant is predicted to result in the amino acid substitution p.Pro1086Leu. To our knowledge, this variant has not been reported in the literature. This variant is reported in 0.00088% of alleles in individuals of European (Non-Finnish) descent in gnomAD. At this time, the clinical significance of this variant is uncertain due to the absence of conclusive functional and genetic evidence.